The following is an entry in ClinVar:

NM_017410.3(HOXC13):c.84CGG[6] (p.Gly38_Thr39insGly)

Genes: HOXC13 (homeobox C13; plus strand), HOXC13-AS (HOXC13 antisense RNA; minus strand). Cytogenetic location: 12q13.13.
Variant type: Microsatellite.
Coding change: c.84CGG[6] on transcript NM_017410.3 (MANE Select); six copies in a row of the 3-base unit CGG starting at c.84; the reference has five copies in a row; one copy, 3 bases duplicated.
Protein change: p.Gly38_Thr39insGly.
Molecular consequence: inframe insertion.
Genome position (GRCh38, 1-based): chr12:53,939,002-53,939,004, CGG duplicated; duplicating any 3 consecutive bases within chr12:53,938,990-53,939,004 gives the same sequence; the position shown is the placement nearest the transcript's 3' end. VCF-style (leftmost placement, unchanged base first): chr12-53938989-T-TCGG. GRCh37 (hg19) VCF-style: chr12-54332773-T-TCGG.
Other names: c.96_98dupCGG (NM_017410.2).
Identifiers: ClinVar variation 2071049 (VCV002071049.6), dbSNP rs34115456, ClinGen allele CA6603758.

ClinVar aggregate classification (germline): Likely benign. Review status: criteria provided, single submitter (1 of 4 stars). 2 submissions from 2 submitters: Likely benign (1). 1 of the submissions does not count toward it. Last evaluated 2025-10-01.

Conditions:
HOXC13-related disorder. Also called: HOXC13-related condition.

Submissions (2):

Labcorp Genetics (formerly Invitae), Labcorp
Classification: Likely benign. Last evaluated: 2025-10-01. Review status: criteria provided, single submitter. Criteria: Invitae Variant Classification Sherloc (09022015). Collection method: clinical testing. Allele origin: germline.

PreventionGenetics, part of Exact Sciences
Classification: Likely benign for HOXC13-related condition. Last evaluated: 2019-10-01. Review status: no assertion criteria provided. Collection method: clinical testing. Allele origin: germline. Not counted in ClinVar's aggregate classification.
Comment: This variant is classified as likely benign based on ACMG/AMP sequence variant interpretation guidelines (Richards et al. 2015 PMID: 25741868, with internal and published modifications).